The following is an entry in ClinVar:

NM_000219.6(KCNE1):c.102C>A (p.Ser34=)

Gene: KCNE1 (potassium voltage-gated channel subfamily E regulatory subunit 1; minus strand). Cytogenetic location: 21q22.12.
Variant type: single nucleotide variant.
Coding change: c.102C>A on transcript NM_000219.6 (MANE Select); coding-DNA position 102, C replaced by A.
Protein change: p.Ser34=; no amino-acid change (serine 34 retained).
Molecular consequence: synonymous variant.
Genome position (GRCh38, 1-based): chr21:34,449,533, G>T on the plus strand (C>A on the coding strand, the complement: KCNE1 is on the minus strand). VCF-style: chr21-34449533-G-T. GRCh37 (hg19) VCF-style: chr21-35821831-G-T.
Other names: c.102C>A, p.Ser34= (NM_001127668.4, NM_001127669.4, NM_001127670.4 and 4 more transcripts).
Identifiers: ClinVar variation 3374053 (VCV003374053.2).

Conditions:
Long QT syndrome 5 (LQT5). Identifiers: Orphanet 101016, Orphanet 768, MedGen C1867904, MONDO:0013372, OMIM 613695.

Submission:

Roden Lab, Vanderbilt University Medical Center
No classification provided (evidence only). Condition: Long QT syndrome 5. Review status: no classification provided. Collection method: in vitro. Allele origin: not applicable. Functional consequence: Effect on ion channel function.
ClinVar note: "not provided" was previously submitted as the classification for the variant. However, the classification appeared to be based only on an observation of functional data so it was converted to no classification on 2025-07-30.